The following is an entry in ClinVar:

NM_001378120.1(MBD5):c.524C>T (p.Ser175Leu)

Gene: MBD5 (methyl-CpG binding domain protein 5; plus strand). Cytogenetic location: 2q23.1.
Variant type: single nucleotide variant.
Coding change: c.524C>T on transcript NM_001378120.1 (MANE Select); coding-DNA position 524, C replaced by T.
Protein change: p.Ser175Leu; replaces serine 175 with leucine.
Molecular consequence: missense variant.
Genome position (GRCh38, 1-based): chr2:148,468,467, C>T. VCF-style: chr2-148468467-C-T. GRCh37 (hg19) VCF-style: chr2-149226036-C-T.
Other names: c.524C>T, p.Ser175Leu (NM_018328.5); short protein forms S175L.
Identifiers: ClinVar variation 2890434 (VCV002890434.3), dbSNP rs2469854897, ClinGen allele CA348716984.
Genomic context (GRCh38, chr2:148,468,467, plus strand): 5'-GAATTACAAATTCTGTAATGCCTGAATGTAAGAATCCTTTCAAGTTAATGATTGGATCAT[C>T]AAATGCCATGGGAAGGCTATATGTACAAGAACTGCCTGGAAGCCAACAACAAGAACTCCA-3'
Protein context (NP_001365049.1, residues 165-185): KNPFKLMIGS[Ser175Leu]NAMGRLYVQE

ClinVar aggregate classification (germline): Uncertain significance (1 of 4 stars; one submission).

Conditions:
Intellectual developmental disorder, autosomal dominant 1. Also called: MBD5 Haploinsufficiency; Intellectual disability, autosomal dominant 1. Identifiers: Orphanet 228402, MedGen C1969562, MONDO:0007974, OMIM 156200.

Submission:

Labcorp Genetics (formerly Invitae), Labcorp
Classification: Uncertain significance for Intellectual developmental disorder, autosomal dominant 1. Last evaluated: 2023-12-28. Review status: criteria provided, single submitter. Criteria: Invitae Variant Classification Sherloc (09022015). Collection method: clinical testing. Allele origin: germline.
Comment: This sequence change replaces serine, which is neutral and polar, with leucine, which is neutral and non-polar, at codon 175 of the MBD5 protein (p.Ser175Leu). This variant is not present in population databases (gnomAD no frequency). This variant has not been reported in the literature in individuals affected with MBD5-related conditions. Advanced modeling of protein sequence and biophysical properties (such as structural, functional, and spatial information, amino acid conservation, physicochemical variation, residue mobility, and thermodynamic stability) performed at Invitae indicates that this missense variant is not expected to disrupt MBD5 protein function with a negative predictive value of 80%. In summary, the available evidence is currently insufficient to determine the role of this variant in disease. Therefore, it has been classified as a Variant of Uncertain Significance.